The following is an entry in ClinVar:

ClinVar aggregate classification (germline): Uncertain significance (1 of 4 stars; one submission).

Allele frequency attached by ClinVar (database versions not stated): gnomAD exomes below 0.00001.

Submission:

CeGaT Center for Human Genetics Tuebingen
Classification: Uncertain significance. Last evaluated: 2022-11-01. Review status: criteria provided, single submitter. Criteria: CeGaT Center For Human Genetics Tuebingen Variant Classification Criteria Version 2. Collection method: clinical testing. Allele origin: germline. Affected: yes. Observed: 1 variant allele.
Comment: SEMA6B: PM2, PP3

NM_032108.4(SEMA6B):c.1267A>G (p.Met423Val)

Gene: SEMA6B (semaphorin 6B; minus strand). Cytogenetic location: 19p13.3.
Variant type: single nucleotide variant.
Coding change: c.1267A>G on transcript NM_032108.4 (MANE Select); coding-DNA position 1267, A replaced by G.
Protein change: p.Met423Val; replaces methionine 423 with valine.
Molecular consequence: missense variant.
Genome position (GRCh38, 1-based): chr19:4,550,127, T>C on the plus strand (A>G on the coding strand, the complement: SEMA6B is on the minus strand). VCF-style: chr19-4550127-T-C. GRCh37 (hg19) VCF-style: chr19-4550139-T-C.
Other names: short protein forms M423V.
Identifiers: ClinVar variation 2649072 (VCV002649072.24), dbSNP rs2512189592, ClinGen allele CA403464845.